The following is an entry in ClinVar:

ClinVar aggregate classification (germline): Uncertain significance (1 of 4 stars; one submission).

Allele frequency attached by ClinVar (database versions not stated): gnomAD exomes 0.00001; gnomAD 0.00003; TOPMed 0.00003.
gnomAD v4.1: 23 of 1,611,604 alleles (0.0014%); highest among the groups gnomAD compares: African/African-American, 0.012%; no homozygotes.

Submission:

Labcorp Genetics (formerly Invitae), Labcorp
Classification: Uncertain significance. Last evaluated: 2023-10-13. Review status: criteria provided, single submitter. Criteria: Invitae Variant Classification Sherloc (09022015). Collection method: clinical testing. Allele origin: germline.
Comment: This sequence change replaces arginine, which is basic and polar, with glutamine, which is neutral and polar, at codon 372 of the SPEG protein (p.Arg372Gln). This variant is present in population databases (no rsID available, gnomAD 0.007%). This variant has not been reported in the literature in individuals affected with SPEG-related conditions. ClinVar contains an entry for this variant (Variation ID: 1351669). Advanced modeling of protein sequence and biophysical properties (such as structural, functional, and spatial information, amino acid conservation, physicochemical variation, residue mobility, and thermodynamic stability) performed at Invitae indicates that this missense variant is expected to disrupt SPEG protein function. In summary, the available evidence is currently insufficient to determine the role of this variant in disease. Therefore, it has been classified as a Variant of Uncertain Significance.

NM_005876.5(SPEG):c.1115G>A (p.Arg372Gln)

Gene: SPEG (striated muscle enriched protein kinase; plus strand). Cytogenetic location: 2q35.
Variant type: single nucleotide variant.
Coding change: c.1115G>A on transcript NM_005876.5 (MANE Select); coding-DNA position 1115, G replaced by A.
Protein change: p.Arg372Gln; replaces arginine 372 with glutamine.
Molecular consequence: missense variant.
Genome position (GRCh38, 1-based): chr2:219,448,273, G>A. VCF-style: chr2-219448273-G-A. GRCh37 (hg19) VCF-style: chr2-220312995-G-A.
Other names: short protein forms R372Q.
Identifiers: ClinVar variation 1351669 (VCV001351669.4), dbSNP rs1399740464, ClinGen allele CA350717128.